The following is an entry in ClinVar:

NM_006432.5(NPC2):c.364-3C>T

Gene: NPC2 (NPC intracellular cholesterol transporter 2; minus strand). Cytogenetic location: 14q24.3.
Variant type: single nucleotide variant.
Coding change: c.364-3C>T on transcript NM_006432.5 (MANE Select); 3 bases into the intron before coding-DNA position 364, C replaced by T.
Molecular consequence: intron variant.
Genome position (GRCh38, 1-based): chr14:74,480,782, G>A on the plus strand (C>T on the coding strand, the complement: NPC2 is on the minus strand). VCF-style: chr14-74480782-G-A. GRCh37 (hg19) VCF-style: chr14-74947485-G-A.
Other names: c.364-3C>T (NM_001363688.1); c.364-494C>T (NM_001375440.1).
Identifiers: ClinVar variation 1479542 (VCV001479542.4), dbSNP rs927248655, ClinGen allele CA263658882.
Genomic context (GRCh38, chr14:74,480,782, plus strand): 5'-AGCAGAAGAGACTTTGGTTTTTGTCATCCTGAAGTTGCCACTCCACCACCAGTTTTATCT[G>A]GAGAAAGAGAAAAATAATTGAGAAAAATGAAAATAGGACCTGACTTCTATCCATAATTGG-3'

ClinVar aggregate classification (germline): Uncertain significance (1 of 4 stars; one submission).

Conditions:
Niemann-Pick disease, type C2 (NPC2). Identifiers: Orphanet 646, MedGen C1843366, MONDO:0011873, OMIM 607625.

Allele frequency attached by ClinVar (database versions not stated): gnomAD exomes below 0.00001; gnomAD 0.00001; TOPMed 0.00001.
gnomAD v4.1: 2 of 1,611,646 alleles (0.00012%); highest among the groups gnomAD compares: African/African-American, 0.0027%; no homozygotes.

Submissions (2):

Labcorp Genetics (formerly Invitae), Labcorp
Classification: Uncertain significance for Niemann-Pick disease, type C2. Last evaluated: 2021-12-15. Review status: criteria provided, single submitter. Criteria: Invitae Variant Classification Sherloc (09022015). Collection method: clinical testing. Allele origin: germline.
Comment: This sequence change falls in intron 3 of the NPC2 gene. It does not directly change the encoded amino acid sequence of the NPC2 protein. It affects a nucleotide within the consensus splice site. This variant is present in population databases (no rsID available, gnomAD 0.007%). This variant has not been reported in the literature in individuals affected with NPC2-related conditions. Variants that disrupt the consensus splice site are a relatively common cause of aberrant splicing (PMID: 17576681, 9536098). Algorithms developed to predict the effect of sequence changes on RNA splicing suggest that this variant is not likely to affect RNA splicing. In summary, the available evidence is currently insufficient to determine the role of this variant in disease. Therefore, it has been classified as a Variant of Uncertain Significance.

Dr. Peter K. Rogan Lab, Western University
No classification provided (evidence only). Condition: Ovarian serous cystadenocarcinoma. Review status: no classification provided. Collection method: in vitro. Allele origin: not applicable. Functional consequence: retained intron. Not counted in ClinVar's aggregate classification.

Literature cited by the submitters: PubMed 17576681 (cited by Labcorp Genetics (formerly Invitae), Labcorp); PubMed 9536098 (cited by Labcorp Genetics (formerly Invitae), Labcorp).